The following is an entry in ClinVar:

ClinVar aggregate classification (germline): Likely benign (0 of 4 stars; one submission).

Conditions:
FOLR3-related disorder. Also called: FOLR3-related condition.

Allele frequency attached by ClinVar (database versions not stated): 1000 Genomes Project 0.00060; 1000 Genomes Project 30x 0.00109.
gnomAD v4.1: 242 of 1,613,956 alleles (0.015%); highest among the groups gnomAD compares: East Asian, 0.19%; 1 homozygote.

Submission:

PreventionGenetics, part of Exact Sciences
Classification: Likely benign for FOLR3-related condition. Last evaluated: 2020-01-09. Review status: no assertion criteria provided. Collection method: clinical testing. Allele origin: germline.
Comment: This variant is classified as likely benign based on ACMG/AMP sequence variant interpretation guidelines (Richards et al. 2015 PMID: 25741868, with internal and published modifications).

NM_000804.4(FOLR3):c.201G>A (p.Thr67=)

Gene: FOLR3 (folate receptor gamma; plus strand). Cytogenetic location: 11q13.4.
Variant type: single nucleotide variant.
Coding change: c.201G>A on transcript NM_000804.4 (MANE Select); coding-DNA position 201, G replaced by A.
Protein change: p.Thr67=; no amino-acid change (threonine 67 retained).
Molecular consequence: synonymous variant. On other transcripts: missense variant (1), non-coding transcript variant (1).
Genome position (GRCh38, 1-based): chr11:72,138,993, G>A. VCF-style: chr11-72138993-G-A. GRCh37 (hg19) VCF-style: chr11-71850039-G-A.
Other names: c.-73G>A (NM_001318045.2); c.329G>A, p.Arg110Gln (NM_001412270.1); short protein forms R110Q.
Identifiers: ClinVar variation 3051814 (VCV003051814.2), dbSNP rs373601622, ClinGen allele CA6168890.